The following is an entry in ClinVar:

NM_002016.2(FLG):c.138+1G>A

Genes: CCDST (cervical cancer associated DHX9 suppressive transcript; plus strand), FLG (filaggrin; minus strand). Cytogenetic location: 1q21.3.
Variant type: single nucleotide variant.
Coding change: c.138+1G>A on transcript NM_002016.2 (MANE Select); the canonical splice donor site of the intron after coding-DNA position 138, G replaced by A.
Molecular consequence: splice donor variant.
Genome position (GRCh38, 1-based): chr1:152,315,318, C>T on the plus strand (G>A on the coding strand, the complement: FLG is on the minus strand). VCF-style: chr1-152315318-C-T. GRCh37 (hg19) VCF-style: chr1-152287794-C-T.
Identifiers: ClinVar variation 3766125 (VCV003766125.1).
Genomic context (GRCh38, chr1:152,315,318, plus strand): 5'-TGCTTAGATTATTGATGAGAAAAACAAATGCTCTATCTTTGGTCTTGTCAGAGACTCTTA[C>T]CTTCAGGATTTGCCGAAATTCCTTTTCCAGAAGTTCCTTCAGCTCTTTTTTACTCAATGT-3'

ClinVar aggregate classification (germline): Likely pathogenic (1 of 4 stars; one submission).

Submission:

GeneDx
Classification: Likely pathogenic. Last evaluated: 2024-08-28. Review status: criteria provided, single submitter. Criteria: GeneDx Variant Classification Process June 2021. Collection method: clinical testing. Allele origin: germline. Affected: yes.
Comment: Has not been previously published as pathogenic or benign to our knowledge; Canonical splice site variant predicted to result in an in-frame loss of the adjacent exon in a gene for which loss of function is a known mechanism of disease; Not observed at significant frequency in large population cohorts (gnomAD)